The following is an entry in ClinVar:

ClinVar aggregate classification (germline): Benign/Likely benign. Review status: criteria provided, multiple submitters, no conflicts (2 of 4 stars). 4 submissions from 4 submitters: Benign (2); Likely benign (2). Last evaluated 2026-07-02.

Conditions:
H1-4-related disorder. Also called: H1-4-related condition.

Allele frequency attached by ClinVar (database versions not stated): gnomAD 0.00012 and 0.00037; ESP Exome Variant Server 0.00015; TOPMed 0.00022; 1000 Genomes Project 30x 0.00141; 1000 Genomes Project 0.00160.

Submissions (4):

PreventionGenetics, part of Exact Sciences
Classification: Likely benign for H1-4-related condition. Last evaluated: 2026-07-02. Review status: criteria provided, single submitter. Criteria: ACMG Guidelines, 2015. Collection method: clinical testing. Allele origin: germline.
Comment: This variant is classified as likely benign based on ACMG/AMP sequence variant interpretation guidelines (Richards et al. 2015 PMID: 25741868, with internal and published modifications).

CeGaT Center for Human Genetics Tuebingen
Classification: Benign. Last evaluated: 2026-06-01. Review status: criteria provided, single submitter. Criteria: CeGaT Center For Human Genetics Tuebingen Variant Classification Criteria Version 2. Collection method: clinical testing. Allele origin: germline. Affected: yes. Observed: 2 variant alleles.
Comment: H1-4: BP4, BP7, BS1, BS2

Blueprint Genetics
Classification: Likely benign. Last evaluated: 2024-10-22. Review status: criteria provided, single submitter. Criteria: ACMG Guidelines, 2015. Collection method: clinical testing. Allele origin: germline.

Labcorp Genetics (formerly Invitae), Labcorp
Classification: Benign. Last evaluated: 2019-12-31. Review status: criteria provided, single submitter. Criteria: Invitae Variant Classification Sherloc (09022015). Collection method: clinical testing. Allele origin: germline.

NM_005321.3(H1-4):c.372C>T (p.Gly124=)

Gene: H1-4 (H1.4 linker histone, cluster member; plus strand). Cytogenetic location: 6p22.2.
Variant type: single nucleotide variant.
Coding change: c.372C>T on transcript NM_005321.3 (MANE Select); coding-DNA position 372, C replaced by T.
Protein change: p.Gly124=; no amino-acid change (glycine 124 retained).
Molecular consequence: synonymous variant.
Genome position (GRCh38, 1-based): chr6:26,156,762, C>T. VCF-style: chr6-26156762-C-T. GRCh37 (hg19) VCF-style: chr6-26156990-C-T.
Identifiers: ClinVar variation 723164 (VCV000723164.23), dbSNP rs370894043, ClinGen allele CA3668074.